The following is an entry in ClinVar:

NM_203446.3(SYNJ1):c.574A>G (p.Ile192Val)

Gene: SYNJ1 (synaptojanin 1; minus strand). Cytogenetic location: 21q22.11.
Variant type: single nucleotide variant.
Coding change: c.574A>G on transcript NM_203446.3 (MANE Select); coding-DNA position 574, A replaced by G.
Protein change: p.Ile192Val; replaces isoleucine 192 with valine.
Molecular consequence: missense variant.
Genome position (GRCh38, 1-based): chr21:32,695,188, T>C on the plus strand (A>G on the coding strand, the complement: SYNJ1 is on the minus strand). VCF-style: chr21-32695188-T-C. GRCh37 (hg19) VCF-style: chr21-34067498-T-C.
Other names: c.574A>G, p.Ile192Val (NM_001160302.2, NM_001160306.2); c.691A>G, p.Ile231Val (NM_003895.4); short protein forms I192V, I231V.
Identifiers: ClinVar variation 1018958 (VCV001018958.9), dbSNP rs2042159051, ClinGen allele CA410098436.

ClinVar aggregate classification (germline): Uncertain significance (1 of 4 stars; one submission).

Conditions:
Developmental and epileptic encephalopathy, 53. Also called: Epileptic encephalopathy, early infantile, 53. Identifiers: MedGen C4479313, MONDO:0033362, OMIM 617389.
Early-onset Parkinson disease 20. Also called: PARKINSON DISEASE 20, AUTOSOMAL RECESSIVE EARLY-ONSET. Identifiers: Orphanet 391411, MedGen C3809824, MONDO:0014233, OMIM 615530.

Submission:

Labcorp Genetics (formerly Invitae), Labcorp
Classification: Uncertain significance for Developmental and epileptic encephalopathy, 53; Early-onset Parkinson disease 20. Last evaluated: 2020-08-11. Review status: criteria provided, single submitter. Criteria: Invitae Variant Classification Sherloc (09022015). Collection method: clinical testing. Allele origin: germline.
Comment: This sequence change replaces isoleucine with valine at codon 231 of the SYNJ1 protein (p.Ile231Val). The isoleucine residue is highly conserved and there is a small physicochemical difference between isoleucine and valine. This variant is not present in population databases (ExAC no frequency). This variant has not been reported in the literature in individuals with SYNJ1-related conditions. Algorithms developed to predict the effect of missense changes on protein structure and function are either unavailable or do not agree on the potential impact of this missense change (SIFT: "Tolerated"; PolyPhen-2: "Possibly Damaging"; Align-GVGD: "Class C0"). In summary, the available evidence is currently insufficient to determine the role of this variant in disease. Therefore, it has been classified as a Variant of Uncertain Significance.